The following is an entry in ClinVar:

ClinVar aggregate classification (germline): Uncertain significance (1 of 4 stars; one submission).

Conditions:
Beck-Fahrner syndrome (BEFAHRS). Identifiers: Orphanet 684216, MedGen C5394097, MONDO:0032922, OMIM 618798.

Submission:

Juno Genomics, Hangzhou Juno Genomics, Inc
Classification: Uncertain significance for Beck-Fahrner syndrome. Review status: criteria provided, single submitter. Criteria: ACMG Guidelines, 2015. Collection method: clinical testing. Allele origin: germline.
Comment: Absent from controls (or at extremely low frequency if recessive) in Genome Aggregation Database.;Multiple lines of computational evidence suggest no impact on gene or gene product.

NM_001287491.2(TET3):c.4612G>A (p.Gly1538Arg)

Gene: TET3 (tet methylcytosine dioxygenase 3; plus strand). Cytogenetic location: 2p13.1.
Variant type: single nucleotide variant.
Coding change: c.4612G>A on transcript NM_001287491.2 (MANE Select); coding-DNA position 4612, G replaced by A.
Protein change: p.Gly1538Arg; replaces glycine 1538 with arginine.
Molecular consequence: missense variant.
Genome position (GRCh38, 1-based): chr2:74,101,400, G>A. VCF-style: chr2-74101400-G-A. GRCh37 (hg19) VCF-style: chr2-74328527-G-A.
Other names: c.4333G>A, p.Gly1445Arg (NM_001366022.1); short protein forms G1538R, G1445R.
Identifiers: ClinVar variation 5006338 (VCV005006338.2).